The following is an entry in ClinVar:

ClinVar aggregate classification (germline): Uncertain significance. Review status: criteria provided, multiple submitters, no conflicts (2 of 4 stars). 2 submissions from 2 submitters: Uncertain significance (2). Last evaluated 2025-11-04.

Conditions:
Inborn genetic diseases. Identifiers: MedGen C0950123, MeSH D030342.

Allele frequency attached by ClinVar (database versions not stated): gnomAD 0.00002; gnomAD exomes 0.00002; TOPMed 0.00002.
gnomAD v4.1: 26 of 1,614,088 alleles (0.0016%); highest among the groups gnomAD compares: Non-Finnish European, 0.0022%; no homozygotes.

Submissions (2):

Labcorp Genetics (formerly Invitae), Labcorp
Classification: Uncertain significance. Last evaluated: 2025-11-04. Review status: criteria provided, single submitter. Criteria: Invitae Variant Classification Sherloc (09022015). Collection method: clinical testing. Allele origin: germline.
Comment: This sequence change replaces tyrosine, which is neutral and polar, with asparagine, which is neutral and polar, at codon 423 of the SLC16A1 protein (p.Tyr423Asn). This variant is not present in population databases (gnomAD no frequency). This variant has not been reported in the literature in individuals affected with SLC16A1-related conditions. ClinVar contains an entry for this variant (Variation ID: 2039412). An algorithm developed to predict the effect of missense changes on protein structure and function (PolyPhen-2) suggests that this variant is likely to be disruptive. In summary, the available evidence is currently insufficient to determine the role of this variant in disease. Therefore, it has been classified as a Variant of Uncertain Significance.

Ambry Genetics
Classification: Uncertain significance for Inborn genetic diseases. Last evaluated: 2025-03-06. Review status: criteria provided, single submitter. Criteria: Ambry Variant Classification Scheme 2023. Collection method: clinical testing. Allele origin: germline.

NM_003051.4(SLC16A1):c.1267T>A (p.Tyr423Asn)

Gene: SLC16A1 (solute carrier family 16 member 1; minus strand). Cytogenetic location: 1p13.2.
Variant type: single nucleotide variant.
Coding change: c.1267T>A on transcript NM_003051.4 (MANE Select); coding-DNA position 1267, T replaced by A.
Protein change: p.Tyr423Asn; replaces tyrosine 423 with asparagine.
Molecular consequence: missense variant.
Genome position (GRCh38, 1-based): chr1:112,914,127, A>T on the plus strand (T>A on the coding strand, the complement: SLC16A1 is on the minus strand). VCF-style: chr1-112914127-A-T. GRCh37 (hg19) VCF-style: chr1-113456749-A-T.
Other names: c.1267T>A, p.Tyr423Asn (NM_001166496.2); c.1267T>A (NM_003051.3); short protein forms Y423N.
Identifiers: ClinVar variation 2039412 (VCV002039412.4), dbSNP rs921694434, ClinGen allele CA29390624.